The following is an entry in ClinVar:

ClinVar aggregate classification (germline): Uncertain significance (1 of 4 stars; one submission).

Submission:

CeGaT Center for Human Genetics Tuebingen
Classification: Uncertain significance. Last evaluated: 2026-04-01. Review status: criteria provided, single submitter. Criteria: CeGaT Center For Human Genetics Tuebingen Variant Classification Criteria Version 2. Collection method: clinical testing. Allele origin: germline. Affected: yes. Observed: 1 variant allele.
Comment: SACS: PM2, BP4

NM_014363.6(SACS):c.2063T>C (p.Val688Ala)

Gene: SACS (sacsin molecular chaperone; minus strand). Cytogenetic location: 13q12.12.
Variant type: single nucleotide variant.
Coding change: c.2063T>C on transcript NM_014363.6 (MANE Select); coding-DNA position 2063, T replaced by C.
Protein change: p.Val688Ala; replaces valine 688 with alanine.
Molecular consequence: missense variant.
Genome position (GRCh38, 1-based): chr13:23,354,549, A>G on the plus strand (T>C on the coding strand, the complement: SACS is on the minus strand). VCF-style: chr13-23354549-A-G. GRCh37 (hg19) VCF-style: chr13-23928688-A-G.
Other names: c.1622T>C, p.Val541Ala (NM_001278055.2); c.2063T>C, p.Val688Ala (NM_001437336.1); short protein forms V541A, V688A.
Identifiers: ClinVar variation 4873720 (VCV004873720.2).
Genomic context (GRCh38, chr13:23,354,549, plus strand): 5'-GAACAGGAATGTTAGAAGGGGGACCCCTACCTTGGATATTCTGCTGAGGTAATATAAATG[A>G]CATCTTGGTCTGATACAGATGAGGAGAAGGGGACAAAATTGCCATTTTGTAAAGGGAGCA-3'
Protein context (NP_055178.3, residues 678-698): PFSSSVSDQD[Val688Ala]IYITSAEYPR